The following is an entry in ClinVar:

ClinVar aggregate classification (germline): Conflicting classifications of pathogenicity. Review status: criteria provided, conflicting classifications (1 of 4 stars). 2 submissions from 2 submitters: Pathogenic (1); Uncertain significance (1). Last evaluated 2024-04-03.

Conditions:
Telangiectasia, hereditary hemorrhagic, type 2 (HHT2). Also called: Telangiectasia, hereditary hemorrhagic, type II; ACVRL1-Related Hereditary Hemorrhagic Telangiectasia. Identifiers: Orphanet 774, MedGen C1838163, MONDO:0010880, OMIM 600376. Disease mechanism: loss of function.
Cardiovascular phenotype. Identifiers: MedGen CN230736.

Submissions (2):

Labcorp Genetics (formerly Invitae), Labcorp
Classification: Pathogenic for Telangiectasia, hereditary hemorrhagic, type 2. Last evaluated: 2024-04-03. Review status: criteria provided, single submitter. Criteria: Invitae Variant Classification Sherloc (09022015). Collection method: clinical testing. Allele origin: germline.
Comment: This sequence change replaces tyrosine, which is neutral and polar, with asparagine, which is neutral and polar, at codon 375 of the ACVRL1 protein (p.Tyr375Asn). This variant is not present in population databases (gnomAD no frequency). This missense change has been observed in individual(s) with hereditary hemorrhagic telangiectasia (Invitae). ClinVar contains an entry for this variant (Variation ID: 1798510). Advanced modeling of protein sequence and biophysical properties (such as structural, functional, and spatial information, amino acid conservation, physicochemical variation, residue mobility, and thermodynamic stability) performed at Invitae indicates that this missense variant is expected to disrupt ACVRL1 protein function with a positive predictive value of 95%. This variant disrupts the p.Tyr375 amino acid residue in ACVRL1. Other variant(s) that disrupt this residue have been determined to be pathogenic (PMID: 12843319, 23919827; Invitae). This suggests that this residue is clinically significant, and that variants that disrupt this residue are likely to be disease-causing. For these reasons, this variant has been classified as Pathogenic.

Ambry Genetics
Classification: Uncertain significance for Cardiovascular phenotype. Last evaluated: 2016-04-15. Review status: criteria provided, single submitter. Criteria: Ambry Variant Classification Scheme 2023. Collection method: clinical testing. Allele origin: germline.
Comment: The p.Y375N variant (also known as c.1123T>A), located in coding exon 7 of the ACVRL1 gene, results from a T to A substitution at nucleotide position 1123. The tyrosine at codon 375 is replaced by asparagine, an amino acid with dissimilar properties. An alteration at the same codon (p.Y375H) has been reported in an HHT family (Abdalla SA, Eur. J. Hum. Genet. 2003 Apr; 11(4):279-87). This variant was not reported in population based cohorts in the following databases: Database of Single Nucleotide Polymorphisms (dbSNP), NHLBI Exome Sequencing Project (ESP), and 1000 Genomes Project. In the ESP, this variant was not observed in 6503 samples (13006 alleles) with coverage at this position. This amino acid position is highly conserved in available vertebrate species. In addition, this alteration is predicted to be deleterious by in silico analysis. Since supporting evidence is limited at this time, the clinical significance of this variant remains unclear.

Literature cited by the submitters: PubMed 12843319 (cited by Labcorp Genetics (formerly Invitae), Labcorp); PubMed 23919827 (cited by Labcorp Genetics (formerly Invitae), Labcorp); PubMed 12700602 (cited by Ambry Genetics).

NM_000020.3(ACVRL1):c.1123T>A (p.Tyr375Asn)

Gene: ACVRL1 (activin A receptor like type 1; plus strand). Cytogenetic location: 12q13.13.
Variant type: single nucleotide variant.
Coding change: c.1123T>A on transcript NM_000020.3 (MANE Select); coding-DNA position 1123, T replaced by A.
Protein change: p.Tyr375Asn; replaces tyrosine 375 with asparagine.
Molecular consequence: missense variant.
Genome position (GRCh38, 1-based): chr12:51,916,110, T>A. VCF-style: chr12-51916110-T-A. GRCh37 (hg19) VCF-style: chr12-52309894-T-A.
Other names: c.1123T>A, p.Tyr375Asn (NM_001077401.2, NM_001406487.1, NM_001406488.1 and 1 more transcripts); c.811T>A, p.Tyr271Asn (NM_001406490.1, NM_001406491.1, NM_001406492.1 and 1 more transcripts); c.559T>A, p.Tyr187Asn (NM_001406495.1); short protein forms Y271N, Y187N, Y375N.
Identifiers: ClinVar variation 1798510 (VCV001798510.4), dbSNP rs2139076336, ClinGen allele CA384902420.